The following is an entry in ClinVar:

ClinVar aggregate classification (germline): Uncertain significance (1 of 4 stars; one submission).

Conditions:
Inborn genetic diseases. Identifiers: MedGen C0950123, MeSH D030342.

Submission:

Ambry Genetics
Classification: Uncertain significance for Inborn genetic diseases. Last evaluated: 2025-05-27. Review status: criteria provided, single submitter. Criteria: Ambry Variant Classification Scheme 2023. Collection method: clinical testing. Allele origin: germline.
Comment: The p.L445P variant (also known as c.1334T>C), located in coding exon 8 of the MECOM gene, results from a T to C substitution at nucleotide position 1334. The leucine at codon 445 is replaced by proline, an amino acid with similar properties. This amino acid position is conserved. In addition, the in silico prediction for this alteration is inconclusive. Based on the available evidence, the clinical significance of this variant remains unclear.

NM_004991.4(MECOM):c.1334T>C (p.Leu445Pro)

Gene: MECOM (MDS1 and EVI1 complex locus; minus strand). Cytogenetic location: 3q26.2.
Variant type: single nucleotide variant.
Coding change: c.1334T>C on transcript NM_004991.4 (MANE Select); coding-DNA position 1334, T replaced by C.
Protein change: p.Leu445Pro; replaces leucine 445 with proline.
Molecular consequence: missense variant. On other transcripts: intron variant (2).
Genome position (GRCh38, 1-based): chr3:169,116,538, A>G on the plus strand (T>C on the coding strand, the complement: MECOM is on the minus strand). VCF-style: chr3-169116538-A-G. GRCh37 (hg19) VCF-style: chr3-168834326-A-G.
Other names: c.965T>C, p.Leu322Pro (NM_001105077.4); c.770T>C, p.Leu257Pro (NM_001105078.4, NM_001164000.2, NM_001205194.2 and 4 more transcripts); c.773T>C, p.Leu258Pro (NM_001163999.2, NM_001366467.2, NM_001366468.2 and 1 more transcripts); c.1334T>C, p.Leu445Pro (NM_001366466.2); c.1133-771T>C (NM_001366473.2); c.569-771T>C (NM_001366474.2); short protein forms L258P, L445P, L257P, L322P.
Identifiers: ClinVar variation 4053296 (VCV004053296.1).